The following is an entry in ClinVar:

ClinVar aggregate classification (germline): Conflicting classifications of pathogenicity. Review status: criteria provided, conflicting classifications (1 of 4 stars). 3 submissions from 3 submitters: Uncertain significance (2); Likely benign (1). Last evaluated 2025-02-01.

gnomAD v4.1: 1 of 1,594,304 alleles (0.000063%); no homozygotes.

Submissions (3):

CeGaT Center for Human Genetics Tuebingen
Classification: Uncertain significance. Last evaluated: 2025-02-01. Review status: criteria provided, single submitter. Criteria: CeGaT Center For Human Genetics Tuebingen Variant Classification Criteria Version 2. Collection method: clinical testing. Allele origin: germline. Affected: yes. Observed: 1 variant allele.
Comment: RIMS1: PM2, BP4

Labcorp Genetics (formerly Invitae), Labcorp
Classification: Uncertain significance. Last evaluated: 2024-11-19. Review status: criteria provided, single submitter. Criteria: Invitae Variant Classification Sherloc (09022015). Collection method: clinical testing. Allele origin: germline.
Comment: This sequence change replaces proline, which is neutral and non-polar, with threonine, which is neutral and polar, at codon 254 of the RIMS1 protein (p.Pro254Thr). This variant is not present in population databases (gnomAD no frequency). This variant has not been reported in the literature in individuals affected with RIMS1-related conditions. An algorithm developed to predict the effect of missense changes on protein structure and function (PolyPhen-2) suggests that this variant is likely to be tolerated. In summary, the available evidence is currently insufficient to determine the role of this variant in disease. Therefore, it has been classified as a Variant of Uncertain Significance.

Blueprint Genetics
Classification: Likely benign. Last evaluated: 2022-09-07. Review status: criteria provided, single submitter. Criteria: ACMG Guidelines, 2015. Collection method: clinical testing. Allele origin: germline.

NM_014989.7(RIMS1):c.760C>A (p.Pro254Thr)

Gene: RIMS1 (regulating synaptic membrane exocytosis 1; plus strand). Cytogenetic location: 6q13.
Variant type: single nucleotide variant.
Coding change: c.760C>A on transcript NM_014989.7 (MANE Select); coding-DNA position 760, C replaced by A.
Protein change: p.Pro254Thr; replaces proline 254 with threonine.
Molecular consequence: missense variant.
Genome position (GRCh38, 1-based): chr6:72,179,863, C>A. VCF-style: chr6-72179863-C-A. GRCh37 (hg19) VCF-style: chr6-72889566-C-A.
Other names: short protein forms P254T.
Identifiers: ClinVar variation 3610740 (VCV003610740.16).
Genomic context (GRCh38, chr6:72,179,863, plus strand): 5'-CCTCCCAGCGCACCACCAGACAGGAGCAAAGGGGCTGAGCCCTCGCAGCAAGCCTTGGGG[C>A]CTGAACAGAAGCAGGCTTCATCCAGGTCTAGAAGTGAACCTCCTAGAGAGAGGTAATAGT-3'
Protein context (NP_055804.2, residues 244-264): GAEPSQQALG[Pro254Thr]EQKQASSRSR